The following is an entry in ClinVar:

ClinVar aggregate classification (germline): Uncertain significance. Review status: criteria provided, multiple submitters, no conflicts (2 of 4 stars). 3 submissions from 3 submitters: Uncertain significance (2). 1 of the submissions does not count toward it. Last evaluated 2022-02-01.

Conditions:
Kabuki syndrome 1 (KABUK1). Also called: KMT2D-Related Kabuki Syndrome. Identifiers: Orphanet 2322, MedGen CN030661, MONDO:0007843, OMIM 147920.

Submissions (3):

Daryl Scott Lab, Baylor College of Medicine
Classification: Uncertain significance for Kabuki syndrome 1. Last evaluated: 2022-02-01. Review status: criteria provided, single submitter. Criteria: ACMG Guidelines, 2015. Collection method: clinical testing. Allele origin: unknown. Observed: 1 variant allele.

Baylor Genetics
Classification: Uncertain significance for Kabuki syndrome 1. Last evaluated: 2019-07-18. Review status: criteria provided, single submitter. Criteria: ACMG Guidelines, 2015. Collection method: clinical testing. Allele origin: unknown. Affected: yes.
Comment: This variant was determined to be of uncertain significance according to ACMG Guidelines, 2015 [PMID:25741868].

ITMI
No classification provided. Condition: AllHighlyPenetrant. Last evaluated: 2013-09-19. Review status: no classification provided. Collection method: reference population. Allele origin: germline. Not counted in ClinVar's aggregate classification.
Comment: Please see associated publication for description of ethnicities

Literature cited by the submitters: PubMed 36474027 (cited by Daryl Scott Lab, Baylor College of Medicine); PubMed 24728327 (cited by ITMI).

NM_003482.4(KMT2D):c.2186C>T (p.Pro729Leu)

Gene: KMT2D (lysine methyltransferase 2D; minus strand). Cytogenetic location: 12q13.12.
Variant type: single nucleotide variant.
Coding change: c.2186C>T on transcript NM_003482.4 (MANE Select); coding-DNA position 2186, C replaced by T.
Protein change: p.Pro729Leu; replaces proline 729 with leucine.
Molecular consequence: missense variant.
Genome position (GRCh38, 1-based): chr12:49,051,497, G>A on the plus strand (C>T on the coding strand, the complement: KMT2D is on the minus strand). VCF-style: chr12-49051497-G-A. GRCh37 (hg19) VCF-style: chr12-49445280-G-A.
Other names: short protein forms P729L.
Identifiers: ClinVar variation 134665 (VCV000134665.3), dbSNP rs587778452, ClinGen allele CA160493.